The following continues an entry in ClinVar:

NM_000055.2(BCHE):c.293A>G (p.Asp98Gly)

Gene: BCHE. ClinVar aggregate classification (germline): Pathogenic/Likely pathogenic. Pathogenic (21); Likely pathogenic (4).

Submissions 20 to 28 of 28:

Illumina Laboratory Services, Illumina
Classification: Pathogenic. Last evaluated: 2022-10-10. Review status: criteria provided, single submitter. Criteria: ICSL CNVClassificationCriteria Aug2020. Collection method: clinical testing. Allele origin: unknown. Affected: yes.
Comment: The BCHE c.293A>G (p.Asp98Gly) missense variant results in the substitution of aspartic acid at amino acid position 98 with glycine. This variant is well-described in the literature, more commonly referred to as p.Asp70Gly, BCHE*A, BCHE*70G or BCHE*70G. Homozygosity for this variant causes the atypical butyrylcholinesterase (BCHE) deficiency phenotype, first described by Kalow in 1957 (PMID: 13437188). McGuire et al. (1989) (PMID: 2915989) studied 26 individuals with the atypical phenotype, including 15 individuals from a large three-generation family. They found complete concordance between the p.Asp98Gly variant and serum cholinesterase phenotypes for all individuals tested. Yen et al. (2003) (PMID: 12881446) genotyped 52 patients in Australia with post-succinylcholine apnea attributable to BCHE variants. The p.Asp98Gly variant (A allele) was found in 47/52 patients with an allele frequency of 0.72. Co-inheritance of the A allele and another well-described variant, p.Ala567Thr (the K allele) occurred in 88% of patients. Twenty-three patients were homozygous for both the A allele and the K allele (AAKK), the most common genotype. In addition seven patients were compound heterozygotes for the A allele and the K allele (AK), four were homozygous for the A allele and heterozygous for the K allele (AAK), four were heterozygous for the A allele and homozygous for the K allele (AKK) and nine had compound genotypes with other variants in the BCHE gene. Their study indicated that compound genotypes are most often associated with post-succinylcholine apnea. In a review (PMID: 25448037), the p.Asp98Gly variant is reported to have 50% enzyme activity, to reduce the binding affinity for succinylcholine 100-fold and to have a carrier frequency of 1/25. This is consistent with the highest reported allele frequency of 0.01766 (including 30 homozygotes) in the European (non-Finnish) population of the Genome Aggregation Database, confirming that this is a common variant. Based on the available evidence, the p.Asp98Gly variant is classified as pathogenic for butyrylcholinesterase deficiency.

Clinical Genetics Laboratory, Skane University Hospital Lund
Classification: Pathogenic. Last evaluated: 2022-05-27. Review status: criteria provided, single submitter. Criteria: ACMG Guidelines, 2015. Collection method: clinical testing. Allele origin: germline. Affected: yes.

Fulgent Genetics
Classification: Pathogenic for Deficiency of butyrylcholinesterase. Last evaluated: 2022-05-11. Review status: criteria provided, single submitter. Criteria: ACMG Guidelines, 2015. Collection method: clinical testing. Allele origin: unknown.

MGZ Medical Genetics Center
Classification: Pathogenic for Deficiency of butyrylcholinesterase. Last evaluated: 2022-03-28. Review status: criteria provided, single submitter. Criteria: ACMG Guidelines, 2015. Collection method: clinical testing. Allele origin: germline. Affected: yes. Observed: 1 variant allele.
Comment: ACMG criteria applied: PM3_STR, PS3_MOD, PS4_MOD, PP1_MOD

Myriad Genetics, Inc.
Classification: Likely pathogenic for Deficiency of butyrylcholinesterase. Last evaluated: 2019-12-09. Review status: criteria provided, single submitter. Criteria: Myriad Women's Health Autosomal Recessive and X-Linked Classification Criteria (2019). Collection method: clinical testing. Allele origin: unknown.
Comment: NM_000055.2(BCHE):c.293A>G(D98G, aka D70G) is classified as likely pathogenic in the context of pseudocholinesterase deficiency. Sources cited for classification include the following: PMID 9047329, 10446378, 21228368 and 17166756. Classification of NM_000055.2(BCHE):c.293A>G(D98G, aka D70G) is based on the following criteria: This variant has been observed more frequently in patients with clinical diagnoses than in healthy populations. Please note: this variant was assessed in the context of healthy population screening.

Neuberg Centre For Genomic Medicine, NCGM
Classification: Pathogenic for Deficiency of butyrylcholinesterase. Review status: criteria provided, single submitter. Criteria: ACMG Guidelines, 2015. Collection method: clinical testing. Allele origin: germline. Inheritance: Autosomal recessive inheritance. Affected: yes.

Reproductive Health Research and Development, BGI Genomics
Classification: risk factor for Butyrylcholinesterase deficiency. Last evaluated: 2020-01-06. Review status: no assertion criteria provided. Collection method: curation. Allele origin: germline. Not counted in ClinVar's aggregate classification.
Comment: NM_000055.2:c.293A>G in the BCHE gene has an allele frequency of 0.018 in European (non-Finnish) subpopulation in the gnomAD database. Functional studies show that p.Asp98Gly has reduced activity and reduced enzyme concentration and cause BChE deficiency (PMID: 27551784, 2915989, 25448037). However, BChE deficiency is a multifactorial disorder. Affected individuals are asymptomatic unless exposed to neuromuscular blocking agents. Taken together, we interprete this variant as risk factor variant.

OMIM
Classification: Pathogenic for APNEA, POSTANESTHETIC, DUE TO BCHE, ATYPICAL-1. Last evaluated: 1991-02-01. Review status: no assertion criteria provided. Collection method: literature only. Allele origin: germline. Not counted in ClinVar's aggregate classification.

Department of Pathology and Laboratory Medicine, Sinai Health System
Classification: Pathogenic. Review status: no assertion criteria provided. Collection method: clinical testing. Allele origin: unknown. Affected: yes. Study: The Canadian Open Genetics Repository (COGR). Not counted in ClinVar's aggregate classification.
Comment: The BCHE p.D98G variant has been identified in multiple patients with Butyrylcholinesterase (BCHE) deficiency and has been found to cosegregate with the deficiency in 8 affected members from three families (Yen_2003_PMID:12881446; Garcia_2011_PMID:21637541; McGuire_1989_PMID:2915989). The p.D98G variant (also referred to as the A-variant) is often found as a compound homozygous variant (in cis) with the BCHE p.A567T variant (also known as the K-variant) (Yen_2003_PMID:12881446; Garcia_2011_PMID:21637541). The p.D98G variant was identified in dbSNP (ID: rs1799807), LOVD 3.0 and ClinVar (classified as pathogenic by Illumina and Fulgent Genetics and as likely pathogenic by Counsyl and for Laboratory for Molecular Medicine). The variant was identified in control databases in 3385 of 282392 chromosomes (36 homozygous) at a frequency of 0.011987 (Genome Aggregation Database Feb 27, 2017). The variant was observed in the following populations: European (non-Finnish) in 2277 of 128920 chromosomes (freq: 0.01766), Ashkenazi Jewish in 178 of 10358 chromosomes (freq: 0.01718), Other in 120 of 7198 chromosomes (freq: 0.01667), European (Finnish) in 301 of 25078 chromosomes (freq: 0.012), Latino in 324 of 35328 chromosomes (freq: 0.009171), African in 85 of 24962 chromosomes (freq: 0.003405), South Asian in 99 of 30606 chromosomes (freq: 0.003235), and East Asian in 1 of 19942 chromosomes (freq: 0.00005). The p.D98 residue is conserved in mammals and computational analyses (PolyPhen-2, SIFT, AlignGVGD, BLOSUM, and MutationTaster) provide inconsistent predictions regarding the impact to the protein. The p.D98G variant is known to cause prolonged apnea when homozygous patients are given succinylcholine, as this variant reduces the binding affinity of succinylcholinesterase, prevents its hydrolysis and therefore causes prolonged paralysis of the breathing muscles (Lockridge_2015_PMID:25448037). In summary, based on the above information this variant meets our laboratory's criteria to be classified as pathogenic for BCHE deficiency.

Literature cited by the submitters: PubMed 27031121 (cited by 3 submitters); PubMed 12881446 (cited by 5 submitters); PubMed 9047329 (cited by 4 submitters); PubMed 27551784 (cited by 3 submitters); PubMed 16103129 (cited by Dasa); PubMed 2915989 (cited by 7 submitters); PubMed 12724618 (cited by Ambry Genetics and Laboratory for Molecular Medicine, Mass General Brigham Personalized Medicine); PubMed 17166756 (cited by 3 submitters); PubMed 21637541 (cited by 3 submitters); PubMed 1897345 (cited by Rady Children's Institute for Genomic Medicine, Rady Children's Hospital San Diego); PubMed 2013061 (cited by Rady Children's Institute for Genomic Medicine, Rady Children's Hospital San Diego and OMIM); PubMed 3542989 (cited by Rady Children's Institute for Genomic Medicine, Rady Children's Hospital San Diego and OMIM); PubMed 6267958 (cited by Rady Children's Institute for Genomic Medicine, Rady Children's Hospital San Diego); PubMed 8390770 (cited by Rady Children's Institute for Genomic Medicine, Rady Children's Hospital San Diego); PubMed 13437188 (cited by 3 submitters); PubMed 13479831 (cited by Rady Children's Institute for Genomic Medicine, Rady Children's Hospital San Diego and OMIM); PubMed 14404182 (cited by Rady Children's Institute for Genomic Medicine, Rady Children's Hospital San Diego and OMIM); PubMed 25054547 (cited by 3 submitters); PubMed 25264279 (cited by Rady Children's Institute for Genomic Medicine, Rady Children's Hospital San Diego); PubMed 25448037 (cited by 4 submitters); PubMed 26439437 (cited by Rady Children's Institute for Genomic Medicine, Rady Children's Hospital San Diego); PubMed 30487145 (cited by Rady Children's Institute for Genomic Medicine, Rady Children's Hospital San Diego); PubMed 30600548 (cited by Rady Children's Institute for Genomic Medicine, Rady Children's Hospital San Diego); PubMed 30804560 (cited by Rady Children's Institute for Genomic Medicine, Rady Children's Hospital San Diego); PubMed 31702488 (cited by Rady Children's Institute for Genomic Medicine, Rady Children's Hospital San Diego); PubMed 23123771 (cited by Laboratory for Molecular Medicine, Mass General Brigham Personalized Medicine); PubMed 21228368 (cited by Laboratory for Molecular Medicine, Mass General Brigham Personalized Medicine and Myriad Genetics, Inc.); PubMed 10446378 (cited by 3 submitters); PubMed 20879632 (cited by Laboratory for Molecular Medicine, Mass General Brigham Personalized Medicine); PubMed 15731589 (cited by Laboratory for Molecular Medicine, Mass General Brigham Personalized Medicine); PubMed 21029050 (cited by Laboratory for Molecular Medicine, Mass General Brigham Personalized Medicine); PubMed 22053728 (cited by Laboratory for Molecular Medicine, Mass General Brigham Personalized Medicine); Kalow, W. Pharmacogenetics, Heredity and the Response to Drugs. Philadelphia: W. B. Saunders (pub.) 69-93, 1962. (cited by OMIM).